The following is an entry in ClinVar:

NM_000171.4(GLRA1):c.346T>C (p.Ser116Pro)

Gene: GLRA1 (glycine receptor alpha 1; minus strand). Cytogenetic location: 5q33.1.
Variant type: single nucleotide variant.
Coding change: c.346T>C on transcript NM_000171.4 (MANE Select); coding-DNA position 346, T replaced by C.
Protein change: p.Ser116Pro; replaces serine 116 with proline.
Molecular consequence: missense variant.
Genome position (GRCh38, 1-based): chr5:151,859,915, A>G on the plus strand (T>C on the coding strand, the complement: GLRA1 is on the minus strand). VCF-style: chr5-151859915-A-G. GRCh37 (hg19) VCF-style: chr5-151239476-A-G.
Other names: c.346T>C, p.Ser116Pro (NM_001146040.2); c.97T>C, p.Ser33Pro (NM_001292000.2); short protein forms S116P, S33P.
Identifiers: ClinVar variation 1199242 (VCV001199242.4), dbSNP rs932099226, ClinGen allele CA361841764.

ClinVar aggregate classification (germline): Uncertain significance (1 of 4 stars; one submission).

Conditions:
Hyperekplexia 1 (STHE). Also called: HYPEREKPLEXIA 1, AUTOSOMAL DOMINANT; HYPEREKPLEXIA 1, AUTOSOMAL RECESSIVE; KOK DISEASE; STARTLE DISEASE, FAMILIAL; EXAGGERATED STARTLE REACTION; STIFF-BABY SYNDROME. Identifiers: Orphanet 3197, MedGen C4551954, MONDO:0007868, OMIM 149400.

Allele frequency attached by ClinVar (database versions not stated): TOPMed below 0.00001.
gnomAD v4.1: 1 of 1,614,036 alleles (0.000062%); highest among the groups gnomAD compares: Non-Finnish European, 0.000085%; no homozygotes.

Submission:

Illumina Laboratory Services, Illumina
Classification: Uncertain significance for Hyperekplexia 1. Last evaluated: 2021-01-20. Review status: criteria provided, single submitter. Criteria: ICSLVariantClassificationCriteria RUGD 01 April 2020. Collection method: clinical testing. Allele origin: unknown.
Comment: The GLRA1 c.346T>C (p.Ser116Pro) variant is a missense variant. A literature search was performed for the gene, cDNA change, and amino acid change. No publications were found based on this search. This variant is not found in the Genome Aggregation Database in a region of good sequence coverage, so the variant is presumed to be rare. Based on the limited evidence, the p.Ser116Pro variant is classified as a variant of uncertain significance for hyperekplexia.